The following is an entry in ClinVar:

ClinVar aggregate classification (germline): Uncertain significance (1 of 4 stars; one submission).

Conditions:
Inborn genetic diseases. Identifiers: MedGen C0950123, MeSH D030342.

Submission:

Ambry Genetics
Classification: Uncertain significance for Inborn genetic diseases. Last evaluated: 2022-11-20. Review status: criteria provided, single submitter. Criteria: Ambry Variant Classification Scheme 2023. Collection method: clinical testing. Allele origin: germline.
Comment: The p.K1519R variant (also known as c.4556A>G), located in coding exon 26 of the ATR gene, results from an A to G substitution at nucleotide position 4556. The lysine at codon 1519 is replaced by arginine, an amino acid with highly similar properties. This amino acid position is conserved. In addition, this alteration is predicted to be tolerated by in silico analysis. Since supporting evidence is limited at this time, the clinical significance of this alteration remains unclear.

NM_001184.4(ATR):c.4556A>G (p.Lys1519Arg)

Gene: ATR (ATR checkpoint kinase; minus strand). Cytogenetic location: 3q23.
Variant type: single nucleotide variant.
Coding change: c.4556A>G on transcript NM_001184.4 (MANE Select); coding-DNA position 4556, A replaced by G.
Protein change: p.Lys1519Arg; replaces lysine 1519 with arginine.
Molecular consequence: missense variant.
Genome position (GRCh38, 1-based): chr3:142,513,586, T>C on the plus strand (A>G on the coding strand, the complement: ATR is on the minus strand). VCF-style: chr3-142513586-T-C. GRCh37 (hg19) VCF-style: chr3-142232428-T-C.
Other names: c.4364A>G, p.Lys1455Arg (NM_001354579.2); short protein forms K1455R, K1519R.
Identifiers: ClinVar variation 2453525 (VCV002453525.2), dbSNP rs2473223788, ClinGen allele CA354796997.